The following is an entry in ClinVar:

NM_002303.6(LEPR):c.1996-6C>T

Genes: LEPR (leptin receptor; plus strand), LOC122094844 (Sharpr-MPRA regulatory region 5730; plus strand). Cytogenetic location: 1p31.3.
Variant type: single nucleotide variant.
Coding change: c.1996-6C>T on transcript NM_002303.6 (MANE Select); 6 bases into the intron before coding-DNA position 1996, C replaced by T.
Molecular consequence: intron variant.
Genome position (GRCh38, 1-based): chr1:65,616,002, C>T. VCF-style: chr1-65616002-C-T. GRCh37 (hg19) VCF-style: chr1-66081685-C-T.
Other names: c.1996-6C>T (NM_001003679.3, NM_001003680.3, NM_001198689.2 and 2 more transcripts).
Identifiers: ClinVar variation 4982750 (VCV004982750.1).

ClinVar aggregate classification (germline): Likely benign (1 of 4 stars; one submission).

Conditions:
LEPR-related disorder. Also called: LEPR-related condition; LEPR-related disorders.

gnomAD v4.1: 1 of 1,614,036 alleles (0.000062%); highest among the groups gnomAD compares: Middle Eastern, 0.016%; no homozygotes.

Submission:

PreventionGenetics, part of Exact Sciences
Classification: Likely benign for LEPR-related condition. Last evaluated: 2026-05-13. Review status: criteria provided, single submitter. Criteria: ACMG Guidelines, 2015. Collection method: clinical testing. Allele origin: germline.
Comment: This variant is classified as likely benign based on ACMG/AMP sequence variant interpretation guidelines (Richards et al. 2015 PMID: 25741868, with internal and published modifications).